The following is an entry in ClinVar:

ClinVar aggregate classification (germline): Uncertain significance. Review status: criteria provided, multiple submitters, no conflicts (2 of 4 stars). 2 submissions from 2 submitters: Uncertain significance (2). Last evaluated 2023-05-23.

Conditions:
FG syndrome (FGS). Identifiers: MedGen C0220769, MONDO:0002010.
Familial thoracic aortic aneurysm and aortic dissection (TAAD). Also called: Thoracic aortic aneurysms and dissections. Identifiers: Orphanet 91387, MedGen C4707243, MONDO:0019625.

Allele frequency attached by ClinVar (database versions not stated): TOPMed below 0.00001.

Submissions (2):

Labcorp Genetics (formerly Invitae), Labcorp
Classification: Uncertain significance for FG syndrome. Last evaluated: 2023-05-23. Review status: criteria provided, single submitter. Criteria: Invitae Variant Classification Sherloc (09022015). Collection method: clinical testing. Allele origin: germline.
Comment: This sequence change replaces arginine, which is basic and polar, with tryptophan, which is neutral and slightly polar, at codon 1536 of the MED12 protein (p.Arg1536Trp). This variant is not present in population databases (gnomAD no frequency). This variant has not been reported in the literature in individuals affected with MED12-related conditions. ClinVar contains an entry for this variant (Variation ID: 1390351). Advanced modeling of protein sequence and biophysical properties (such as structural, functional, and spatial information, amino acid conservation, physicochemical variation, residue mobility, and thermodynamic stability) has been performed at Invitae for this missense variant, however the output from this modeling did not meet the statistical confidence thresholds required to predict the impact of this variant on MED12 protein function. In summary, the available evidence is currently insufficient to determine the role of this variant in disease. Therefore, it has been classified as a Variant of Uncertain Significance.

Ambry Genetics
Classification: Uncertain significance for Familial thoracic aortic aneurysm and aortic dissection. Last evaluated: 2022-11-04. Review status: criteria provided, single submitter. Criteria: Ambry Variant Classification Scheme 2023. Collection method: clinical testing. Allele origin: germline.
Comment: The c.4606C>T (p.R1536W) alteration is located in exon 33 (coding exon 33) of the MED12 gene. This alteration results from a C to T substitution at nucleotide position 4606, causing the arginine (R) at amino acid position 1536 to be replaced by a tryptophan (W). This variant was not reported in population-based cohorts in the Genome Aggregation Database (gnomAD). This amino acid position is highly conserved in available vertebrate species. This missense alteration is located in a region that has a low rate of benign missense variation (Lek, 2016; Firth, 2009). This alteration is predicted to be deleterious by in silico analysis. Based on insufficient or conflicting evidence, the clinical significance of this alteration remains unclear.

NM_005120.3(MED12):c.4606C>T (p.Arg1536Trp)

Gene: MED12 (mediator complex subunit 12; plus strand). Cytogenetic location: Xq13.1.
Variant type: single nucleotide variant.
Coding change: c.4606C>T on transcript NM_005120.3 (MANE Select); coding-DNA position 4606, C replaced by T.
Protein change: p.Arg1536Trp; replaces arginine 1536 with tryptophan.
Molecular consequence: missense variant.
Genome position (GRCh38, 1-based): chrX:71,133,201, C>T. VCF-style: chrX-71133201-C-T. GRCh37 (hg19) VCF-style: chrX-70353051-C-T.
Other names: c.4606C>T (NM_005120.2); short protein forms R1536W.
Identifiers: ClinVar variation 1390351 (VCV001390351.7), dbSNP rs2092323072, ClinGen allele CA413529158.